The following is an entry in ClinVar:

NM_033132.5(ZIC5):c.999C>G (p.Pro333=)

Gene: ZIC5 (Zic family zinc finger 5; minus strand). Cytogenetic location: 13q32.3.
Variant type: single nucleotide variant.
Coding change: c.999C>G on transcript NM_033132.5 (MANE Select); coding-DNA position 999, C replaced by G.
Protein change: p.Pro333=; no amino-acid change (proline 333 retained).
Molecular consequence: synonymous variant. On other transcripts: non-coding transcript variant (1).
Genome position (GRCh38, 1-based): chr13:99,970,605, G>C on the plus strand (C>G on the coding strand, the complement: ZIC5 is on the minus strand). VCF-style: chr13-99970605-G-C. GRCh37 (hg19) VCF-style: chr13-100622859-G-C.
Identifiers: ClinVar variation 2643891 (VCV002643891.24), dbSNP rs1462799004, ClinGen allele CA484758848.

ClinVar aggregate classification (germline): Likely benign (1 of 4 stars; one submission).

gnomAD v4.1: 12 of 1,004,274 alleles (0.0012%); highest among the groups gnomAD compares: Middle Eastern, 0.097%; no homozygotes.

Submission:

CeGaT Center for Human Genetics Tuebingen
Classification: Likely benign. Last evaluated: 2022-07-01. Review status: criteria provided, single submitter. Criteria: CeGaT Center For Human Genetics Tuebingen Variant Classification Criteria Version 2. Collection method: clinical testing. Allele origin: germline. Affected: yes. Observed: 1 variant allele.
Comment: ZIC5: BP4, BP7